The following is an entry in ClinVar:

NM_176787.5(PIGN):c.963+5C>A

Gene: PIGN (phosphatidylinositol glycan anchor biosynthesis class N; minus strand). Cytogenetic location: 18q21.33.
Variant type: single nucleotide variant.
Coding change: c.963+5C>A on transcript NM_176787.5 (MANE Select); 5 bases into the intron after coding-DNA position 963, C replaced by A.
Molecular consequence: intron variant.
Genome position (GRCh38, 1-based): chr18:62,143,301, G>T on the plus strand (C>A on the coding strand, the complement: PIGN is on the minus strand). VCF-style: chr18-62143301-G-T. GRCh37 (hg19) VCF-style: chr18-59810534-G-T.
Other names: c.963+5C>A (NM_012327.6).
Identifiers: ClinVar variation 1469539 (VCV001469539.6), dbSNP rs2036202111, ClinGen allele CA2573155488.

ClinVar aggregate classification (germline): Uncertain significance (1 of 4 stars; one submission).

Conditions:
Multiple congenital anomalies-hypotonia-seizures syndrome 1 (MCAHS1). Also called: PIGN-CDG; Congenital disorder of glycosylation due to PIGN deficiency; GLYCOSYLPHOSPHATIDYLINOSITOL BIOSYNTHESIS DEFECT 3. Identifiers: Orphanet 280633, MedGen C3279775, MONDO:0013563, OMIM 614080.

Submission:

Labcorp Genetics (formerly Invitae), Labcorp
Classification: Uncertain significance for Multiple congenital anomalies-hypotonia-seizures syndrome 1. Last evaluated: 2022-01-15. Review status: criteria provided, single submitter. Criteria: Invitae Variant Classification Sherloc (09022015). Collection method: clinical testing. Allele origin: germline.
Comment: This sequence change falls in intron 11 of the PIGN gene. It does not directly change the encoded amino acid sequence of the PIGN protein. It affects a nucleotide within the consensus splice site. This variant is not present in population databases (gnomAD no frequency). This variant has not been reported in the literature in individuals affected with PIGN-related conditions. Variants that disrupt the consensus splice site are a relatively common cause of aberrant splicing (PMID: 17576681, 9536098). Experimental studies and prediction algorithms are not available or were not evaluated, and the effect of this variant on mRNA splicing is currently unknown. In summary, the available evidence is currently insufficient to determine the role of this variant in disease. Therefore, it has been classified as a Variant of Uncertain Significance.

Literature cited by the submitters: PubMed 17576681; PubMed 9536098.